The following is an entry in ClinVar:

NM_006015.4:c.5125_5133dup

Gene: ARID1A (AT-rich interaction domain 1A; plus strand).
Variant type: Duplication.
Identifiers: ClinVar variation 3603090 (VCV003603090.1).

ClinVar aggregate classification (germline): Uncertain significance (1 of 4 stars; one submission).

Submission:

GeneDx
Classification: Uncertain significance. Last evaluated: 2024-08-05. Review status: criteria provided, single submitter. Criteria: GeneDx Variant Classification Process June 2021. Collection method: clinical testing. Allele origin: germline. Affected: yes.
Comment: Not observed at significant frequency in large population cohorts (gnomAD); In-frame insertion of 3 amino acids in a non-repeat region; Has not been previously published as pathogenic or benign to our knowledge